The following is an entry in ClinVar:

NM_000383.4(AIRE):c.322dup (p.Gln108fs)

Gene: AIRE (autoimmune regulator; plus strand). Cytogenetic location: 21q22.3.
Variant type: Duplication.
Coding change: c.322dup on transcript NM_000383.4 (MANE Select); coding-DNA position 322, one base duplicated (C; older notation c.322dupC).
Protein change: p.Gln108fs; shifts the reading frame from glutamine 108.
Molecular consequence: frameshift variant.
Genome position (GRCh38, 1-based): chr21:44,286,992, C duplicated; the last of 2 consecutive C bases (chr21:44,286,991-44,286,992); duplicating either gives the same sequence. VCF-style (leftmost placement, unchanged base first): chr21-44286990-G-GC. GRCh37 (hg19) VCF-style: chr21-45706873-G-GC.
Other names: short protein forms Q108fs.
Identifiers: ClinVar variation 5012092 (VCV005012092.1).

ClinVar aggregate classification (germline): Pathogenic (1 of 4 stars; one submission).

Conditions:
Polyglandular autoimmune syndrome, type 1 (APS1). Also called: Whitaker syndrome; Autoimmune polyendocrinopathy syndrome, type I; Autoimmune polyendocrine syndrome type 1; AUTOIMMUNE POLYENDOCRINE SYNDROME, TYPE I, WITH OR WITHOUT REVERSIBLE METAPHYSEAL DYSPLASIA; APS I; HYPOADRENOCORTICISM WITH HYPOPARATHYROIDISM AND SUPERFICIAL MONILIASIS. Identifiers: Orphanet 3453, MedGen C0085859, MONDO:0009411, OMIM 240300.

Submission:

Myriad Genetics, Inc.
Classification: Pathogenic for Polyglandular autoimmune syndrome, type 1. Last evaluated: 2023-09-27. Review status: criteria provided, single submitter. Criteria: Myriad Autosomal Dominant, Autosomal Recessive and X-Linked Classification Criteria (2023). Collection method: clinical testing. Allele origin: unknown.
Comment: NM_000383.3(AIRE):c.322dupC(Q108Pfs*109) is expected to be pathogenic in the context of autoimmune polyglandular syndrome type 1. This variant is predicted to lead to an abnormal or absent protein product due to the creation of a premature termination codon in AIRE, a gene where loss-of-function variants are known to be pathogenic. Please note: this variant was assessed in the context of healthy population screening.